The following is an entry in ClinVar:

ClinVar aggregate classification (germline): Pathogenic. Review status: criteria provided, multiple submitters, no conflicts (2 of 4 stars). 2 submissions from 2 submitters: Pathogenic (2). Last evaluated 2024-02-16.

Conditions:
Hereditary cancer-predisposing syndrome. Also called: Tumor predisposition; Hereditary neoplastic syndrome; Neoplastic Syndromes, Hereditary; Hereditary Cancer Syndrome. Identifiers: Orphanet 140162, MedGen C0027672, MeSH D009386, MONDO:0015356.
Familial adenomatous polyposis 1 (FAP1). Also called: POLYPOSIS, ADENOMATOUS INTESTINAL; FAMILIAL ADENOMATOUS POLYPOSIS 1, ATTENUATED. Identifiers: MedGen C2713442, MONDO:0021056, OMIM 175100. Disease mechanism: loss of function.

Submissions (2):

Ambry Genetics
Classification: Pathogenic for Hereditary cancer-predisposing syndrome. Last evaluated: 2024-02-16. Review status: criteria provided, single submitter. Criteria: Ambry Variant Classification Scheme 2023. Collection method: clinical testing. Allele origin: germline.
Comment: The c.7144delA pathogenic mutation, located in coding exon 15 of the APC gene, results from a deletion of one nucleotide at nucleotide position 7144, causing a translational frameshift with a predicted alternate stop codon (p.T2382Qfs*20). This alteration occurs at the 3' terminus of theAPC gene, is not expected to trigger nonsense-mediated mRNA decay, and impacts the last 462 amino acids of the protein. However, premature stop codons are typically deleterious in nature and the impacted region is critical for protein function and a significant portion of the protein is affected (Ambry internal data). Based on the supporting evidence, this alteration is interpreted as a disease-causing mutation.

Myriad Genetics, Inc.
Classification: Pathogenic for Familial adenomatous polyposis 1. Last evaluated: 2023-05-16. Review status: criteria provided, single submitter. Criteria: Myriad Autosomal Dominant, Autosomal Recessive and X-Linked Classification Criteria (2023). Collection method: clinical testing. Allele origin: unknown.
Comment: This variant is considered pathogenic. This variant creates a frameshift predicted to result in premature protein truncation.

NM_000038.6(APC):c.7144del (p.Thr2382fs)

Gene: APC (APC regulator of Wnt signaling pathway; plus strand). Cytogenetic location: 5q22.2.
Variant type: Deletion.
Coding change: c.7144del on transcript NM_000038.6 (MANE Select); coding-DNA position 7144, one base deleted (A; older notation c.7144delA).
Protein change: p.Thr2382fs; shifts the reading frame from threonine 2382.
Molecular consequence: frameshift variant. On other transcripts: non-coding transcript variant (2).
Genome position (GRCh38, 1-based): chr5:112,842,738, A deleted; the last of 3 consecutive A bases (chr5:112,842,736-112,842,738); deleting any one gives the same sequence. VCF-style (leftmost placement, unchanged base first): chr5-112842735-CA-C. GRCh37 (hg19) VCF-style: chr5-112178432-CA-C.
Other names: c.7144delA (NM_000038.5); c.7144del, p.Thr2382fs (NM_001127510.3, NM_001354895.2, NM_001407450.1); c.7090del, p.Thr2364fs (NM_001127511.3); c.7198del, p.Thr2400fs (NM_001354896.2, NM_001407447.1, NM_001407448.1 and 1 more transcripts); c.7174del, p.Thr2392fs (NM_001354897.2); c.7069del, p.Thr2357fs (NM_001354898.2); c.7060del, p.Thr2354fs (NM_001354899.2); c.7021del, p.Thr2341fs (NM_001354900.2); and 12 more; short protein forms T1998fs, T2099fs, T2222fs, T2253fs, T2256fs, T2281fs, T2291fs, T2299fs.
Identifiers: ClinVar variation 2583628 (VCV002583628.2), dbSNP rs2533771759, ClinGen allele CA2582341620.